The following is an entry in ClinVar:

ClinVar aggregate classification (germline): Likely benign. Review status: criteria provided, multiple submitters, no conflicts (2 of 4 stars). 3 submissions from 3 submitters: Likely benign (3). Last evaluated 2025-10-23.

Conditions:
ALPK3-related disorder. Also called: ALPK3-related condition.
Cardiovascular phenotype. Identifiers: MedGen CN230736.

Allele frequency attached by ClinVar (database versions not stated): gnomAD exomes 0.00001 and 0.00002; ExAC 0.00003; gnomAD 0.00004; TOPMed 0.00007; ESP Exome Variant Server 0.00008.
gnomAD v4.1: 21 of 1,614,104 alleles (0.0013%); highest among the groups gnomAD compares: African/African-American, 0.013%; no homozygotes.

Submissions (3):

PreventionGenetics, part of Exact Sciences
Classification: Likely benign for ALPK3-related condition. Last evaluated: 2025-10-23. Review status: criteria provided, single submitter. Criteria: ACMG Guidelines, 2015. Collection method: clinical testing. Allele origin: germline.
Comment: This variant is classified as likely benign based on ACMG/AMP sequence variant interpretation guidelines (Richards et al. 2015 PMID: 25741868, with internal and published modifications).

Labcorp Genetics (formerly Invitae), Labcorp
Classification: Likely benign. Last evaluated: 2025-05-19. Review status: criteria provided, single submitter. Criteria: Invitae Variant Classification Sherloc (09022015). Collection method: clinical testing. Allele origin: germline.

Ambry Genetics
Classification: Likely benign for Cardiovascular phenotype. Last evaluated: 2020-03-16. Review status: criteria provided, single submitter. Criteria: Ambry Variant Classification Scheme 2023. Collection method: clinical testing. Allele origin: germline.

NM_020778.5(ALPK3):c.1524C>T (p.Cys508=)

Genes: ALPK3 (alpha kinase 3; plus strand), LOC111718493 (skeletal muscle cis-regulatory module overlapping ALPK3; plus strand). Cytogenetic location: 15q25.3.
Variant type: single nucleotide variant.
Coding change: c.1524C>T on transcript NM_020778.5 (MANE Select); coding-DNA position 1524, C replaced by T.
Protein change: p.Cys508=; no amino-acid change (cysteine 508 retained).
Molecular consequence: synonymous variant.
Genome position (GRCh38, 1-based): chr15:84,840,803, C>T. VCF-style: chr15-84840803-C-T. GRCh37 (hg19) VCF-style: chr15-85384034-C-T.
Identifiers: ClinVar variation 1585281 (VCV001585281.11), dbSNP rs142698933, ClinGen allele CA7709209.
Genomic context (GRCh38, chr15:84,840,803, plus strand): 5'-CAAAGGAGAGGCCACCACTGACAGCAAGCCCATTTCTTCTCTGAGTCAAGCTCCAGAATG[C>T]GGGGCCCAGAGCTTAGGAAAGGCCCCACCTCAGGCCTCTGTGCAGGTGCCGACGCCCCCT-3'
Protein context (NP_065829.4, residues 498-518): PISSLSQAPE[Cys508=]GAQSLGKAPP